The following is an entry in ClinVar:

NC_000023.10:g.(31241239_31279071)_(31462745_31496222)dup

Gene: DMD (dystrophin; minus strand). Cytogenetic location: Xp21.2.
Variant type: Duplication.
Identifiers: ClinVar variation 1722392 (VCV001722392.1).

ClinVar aggregate classification (germline): Likely pathogenic (1 of 4 stars; one submission).

Conditions:
Neuromuscular disease caused by qualitative or quantitative defects of dystrophin. Also called: Qualitative or quantitative defects of dystrophin. Identifiers: Orphanet 207085, MedGen C5679787, MONDO:0016147.

Submission:

Women's Health and Genetics/Laboratory Corporation of America, LabCorp
Classification: Likely pathogenic for Neuromuscular disease caused by qualitative or quantitative defects of dystrophin. Last evaluated: 2022-09-19. Review status: criteria provided, single submitter. Criteria: LabCorp Variant Classification Summary - May 2015. Collection method: clinical testing. Allele origin: germline.
Comment: Variant summary: The variant identified by MLPA or other technology involves the duplication of exons 60-63 in the DMD gene. A presumed nomenclature of c.(8937+1_8938-1)_(9286+1_9287-1)dup has been designated for the purposes of this classification. It has been assumed that this is a tandem duplication in direct orientation (Richardson_GIM_2018, Newman_AJHG_2015). Although exact breakpoints of this duplication are not known, it is expected to result in a frameshift in the DMD gene (It was predicted as p.(Ala3096Glyfs*18) in DOVE database). The variant was absent in 16120 control chromosomes (gnomAD SVs). c.(8937+1_8938-1)_(9286+1_9287-1)dup has been reported in the literature in at least one individual with clinical suspicion of DMD (Nallamilli_2021). These data do not allow any conclusion about variant significance. To our knowledge, no experimental evidence demonstrating an impact on protein function has been reported. No clinical diagnostic laboratories have submitted clinical-significance assessments for this variant to ClinVar after 2014. Based on the evidence outlined above, the variant was classified as likely pathogenic.

Literature cited by the submitters: PubMed 33644936.